The following is an entry in ClinVar:

NM_000383.4(AIRE):c.1051C>G (p.Arg351Gly)

Gene: AIRE (autoimmune regulator; plus strand). Cytogenetic location: 21q22.3.
Variant type: single nucleotide variant.
Coding change: c.1051C>G on transcript NM_000383.4 (MANE Select); coding-DNA position 1051, C replaced by G.
Protein change: p.Arg351Gly; replaces arginine 351 with glycine.
Molecular consequence: missense variant.
Genome position (GRCh38, 1-based): chr21:44,292,357, C>G. VCF-style: chr21-44292357-C-G. GRCh37 (hg19) VCF-style: chr21-45712240-C-G.
Other names: c.1051C>G (NM_000383.3); short protein forms R351G.
Identifiers: ClinVar variation 1419274 (VCV001419274.6), dbSNP rs149078622, ClinGen allele CA410425158.

ClinVar aggregate classification (germline): Uncertain significance. Review status: criteria provided, single submitter (1 of 4 stars). 2 submissions from 2 submitters: Uncertain significance (1). 1 of the submissions does not count toward it. Last evaluated 2021-09-24.

Conditions:
Polyglandular autoimmune syndrome, type 1 (APS1). Also called: Autoimmune polyendocrinopathy syndrome , type I, with or without reversible metaphyseal dysplasia; AUTOIMMUNE POLYENDOCRINE SYNDROME, TYPE I, WITH OR WITHOUT REVERSIBLE METAPHYSEAL DYSPLASIA; APS I; Autoimmune polyendocrine syndrome type 1; Autoimmune polyendocrinopathy syndrome, type I; HYPOADRENOCORTICISM WITH HYPOPARATHYROIDISM AND SUPERFICIAL MONILIASIS. Identifiers: Orphanet 3453, MedGen C0085859, MONDO:0009411, OMIM 240300.

Submissions (2):

Labcorp Genetics (formerly Invitae), Labcorp
Classification: Uncertain significance for Polyglandular autoimmune syndrome, type 1. Last evaluated: 2021-09-24. Review status: criteria provided, single submitter. Criteria: Invitae Variant Classification Sherloc (09022015). Collection method: clinical testing. Allele origin: germline.
Comment: This sequence change replaces arginine with glycine at codon 351 of the AIRE protein (p.Arg351Gly). The arginine residue is weakly conserved and there is a moderate physicochemical difference between arginine and glycine. This variant is not present in population databases (ExAC no frequency). This variant has not been reported in the literature in individuals with AIRE-related conditions. Advanced modeling of protein sequence and biophysical properties (such as structural, functional, and spatial information, amino acid conservation, physicochemical variation, residue mobility, and thermodynamic stability) performed at Invitae indicates that this missense variant is not expected to disrupt AIRE protein function. In summary, the available evidence is currently insufficient to determine the role of this variant in disease. Therefore, it has been classified as a Variant of Uncertain Significance.

Natera, Inc.
Classification: Uncertain significance for Polyglandular autoimmune syndrome type 1. Last evaluated: 2025-04-28. Review status: no assertion criteria provided. Collection method: clinical testing. Allele origin: germline. Not counted in ClinVar's aggregate classification.